The following is an entry in ClinVar:

ClinVar aggregate classification (germline): Uncertain significance. Review status: criteria provided, single submitter (1 of 4 stars). 2 submissions from 2 submitters: Uncertain significance (1). 1 of the submissions does not count toward it. Last evaluated 2024-08-21.

Conditions:
HEMOGLOBIN OCHO RIOS.

Submissions (2):

Quest Diagnostics Nichols Institute San Juan Capistrano
Classification: Uncertain significance. Last evaluated: 2024-08-21. Review status: criteria provided, single submitter. Criteria: Quest Diagnostics criteria. Collection method: clinical testing. Allele origin: unknown.
Comment: The HBB c.158A>C (p.Asp53Ala) variant has been reported in the published literature with Hb S in at least one individual with normal clinical and hematological findings (HbVar, ITHANET, PMIDs: 5046622 (1972) and 26901597 (2015))). This variant has not been reported in large, multi-ethnic general populations (Genome Aggregation Database). Analysis of this variant using bioinformatics tools for the prediction of the effect of amino acid changes on protein structure and function yielded conflicting predictions that this variant is deleterious or benign. Based on the available information, we are unable to determine the clinical significance of this variant.

OMIM
Classification: other for HEMOGLOBIN OCHO RIOS. Last evaluated: 2017-12-12. Review status: no assertion criteria provided. Collection method: literature only. Allele origin: germline. Not counted in ClinVar's aggregate classification.

Literature cited by the submitters: PubMed 5046622 (cited by Quest Diagnostics Nichols Institute San Juan Capistrano and OMIM); PubMed 440814 (cited by Quest Diagnostics Nichols Institute San Juan Capistrano); PubMed 26901597 (cited by Quest Diagnostics Nichols Institute San Juan Capistrano); PubMed 382840 (cited by Quest Diagnostics Nichols Institute San Juan Capistrano); PubMed 22713122 (cited by Quest Diagnostics Nichols Institute San Juan Capistrano); PubMed 3778823 (cited by Quest Diagnostics Nichols Institute San Juan Capistrano); PubMed 9730366 (cited by Quest Diagnostics Nichols Institute San Juan Capistrano); PubMed 6824786 (cited by Quest Diagnostics Nichols Institute San Juan Capistrano); PubMed 9352140 (cited by Quest Diagnostics Nichols Institute San Juan Capistrano).

NM_000518.4(HBB):c.158A>C (p.Asp53Ala)

Genes: HBB (hemoglobin subunit beta; minus strand), LOC106099062 (HBB recombination region; plus strand), LOC107133510 (origin of replication at HBB; plus strand). Cytogenetic location: 11p15.4.
Variant type: single nucleotide variant.
Coding change: c.158A>C on transcript NM_000518.4; coding-DNA position 158, A replaced by C.
Protein change: p.Asp53Ala; replaces aspartic acid 53 with alanine.
Molecular consequence: missense variant (on NM_000518.5).
Genome position (GRCh38, 1-based): chr11:5,226,734, T>G on the plus strand (A>C on the coding strand, the complement: HBB is on the minus strand). VCF-style: chr11-5226734-T-G. GRCh37 (hg19) VCF-style: chr11-5247964-T-G.
Other names: D52A; c.158A>C, p.Asp53Ala (NM_000518.5); short protein forms D53A.
Identifiers: ClinVar variation 15293 (VCV000015293.3), dbSNP rs33919924, ClinGen allele CA125072.